The following is an entry in ClinVar:

NM_001015877.2(PHF6):c.829A>G (p.Arg277Gly)

Gene: PHF6 (PHD finger protein 6; plus strand). Cytogenetic location: Xq26.2.
Variant type: single nucleotide variant.
Coding change: c.829A>G on transcript NM_001015877.2 (MANE Select); coding-DNA position 829, A replaced by G.
Protein change: p.Arg277Gly; replaces arginine 277 with glycine.
Molecular consequence: missense variant.
Genome position (GRCh38, 1-based): chrX:134,415,115, A>G. VCF-style: chrX-134415115-A-G. GRCh37 (hg19) VCF-style: chrX-133549145-A-G.
Other names: c.832A>G, p.Arg278Gly (NM_032335.3); c.829A>G, p.Arg277Gly (NM_032458.3); short protein forms R278G, R277G.
Identifiers: ClinVar variation 2719600 (VCV002719600.3), dbSNP rs2520636410, ClinGen allele CA414713331.
Genomic context (GRCh38, chrX:134,415,115, plus strand): 5'-AGAGCAGAATTTGGAGACTTTGATATTAAAACTGTACTTCAGGAGATTAAACGAGGAAAA[A>G]GAATGGTCTGTAGTTTTTATATTTGTTATGCAACATTACACTTGATTTGCTGCTTTAAAT-3'
Protein context (NP_001015877.1, residues 267-287): TVLQEIKRGK[Arg277Gly]MKCTLCSQPG

ClinVar aggregate classification (germline): Uncertain significance (1 of 4 stars; one submission).

Conditions:
Borjeson-Forssman-Lehmann syndrome (BFLS). Also called: MENTAL RETARDATION, X-LINKED, SYNDROMIC, BORJESON-FORSSMAN-LEHMANN TYPE; MENTAL RETARDATION, EPILEPSY, AND ENDOCRINE DISORDERS; BORJESON SYNDROME. Identifiers: Orphanet 127, MedGen C0265339, MONDO:0010537, OMIM 301900.

Submission:

Labcorp Genetics (formerly Invitae), Labcorp
Classification: Uncertain significance for Borjeson-Forssman-Lehmann syndrome. Last evaluated: 2025-07-29. Review status: criteria provided, single submitter. Criteria: Invitae Variant Classification Sherloc (09022015). Collection method: clinical testing. Allele origin: germline.
Comment: This sequence change replaces arginine, which is basic and polar, with glycine, which is neutral and non-polar, at codon 277 of the PHF6 protein (p.Arg277Gly). This variant is not present in population databases (gnomAD no frequency). This variant has not been reported in the literature in individuals affected with PHF6-related conditions. ClinVar contains an entry for this variant (Variation ID: 2719600). An algorithm developed to predict the effect of missense changes on protein structure and function (PolyPhen-2) suggests that this variant is likely to be disruptive. In summary, the available evidence is currently insufficient to determine the role of this variant in disease. Therefore, it has been classified as a Variant of Uncertain Significance.